The following is an entry in ClinVar:

NM_148894.3(BOD1L1):c.7593C>T (p.Thr2531=)

Gene: BOD1L1 (biorientation of chromosomes in cell division 1 like 1; minus strand). Cytogenetic location: 4p15.33.
Variant type: single nucleotide variant.
Coding change: c.7593C>T on transcript NM_148894.3 (MANE Select); coding-DNA position 7593, C replaced by T.
Protein change: p.Thr2531=; no amino-acid change (threonine 2531 retained).
Molecular consequence: synonymous variant.
Genome position (GRCh38, 1-based): chr4:13,599,307, G>A on the plus strand (C>T on the coding strand, the complement: BOD1L1 is on the minus strand). VCF-style: chr4-13599307-G-A. GRCh37 (hg19) VCF-style: chr4-13600931-G-A.
Identifiers: ClinVar variation 2654675 (VCV002654675.24), dbSNP rs144578157, ClinGen allele CA2861057.

ClinVar aggregate classification (germline): Likely benign (1 of 4 stars; one submission).

Allele frequency attached by ClinVar (database versions not stated): gnomAD exomes 0.00017; ExAC 0.00051; 1000 Genomes Project 0.00140; 1000 Genomes Project 30x 0.00141; TOPMed 0.00157; gnomAD 0.00158; ESP Exome Variant Server 0.00161.
gnomAD v4.1: 490 of 1,613,760 alleles (0.03%); highest among the groups gnomAD compares: African/African-American, 0.55%; 2 homozygotes.

Submission:

CeGaT Center for Human Genetics Tuebingen
Classification: Likely benign. Last evaluated: 2022-11-01. Review status: criteria provided, single submitter. Criteria: CeGaT Center For Human Genetics Tuebingen Variant Classification Criteria Version 2. Collection method: clinical testing. Allele origin: germline. Affected: yes. Observed: 1 variant allele.
Comment: BOD1L1: BP4, BP7